The following is an entry in ClinVar:

NM_001330177.2(PCNX4):c.1359A>G (p.Val453=)

Gene: PCNX4 (pecanex 4; plus strand). Cytogenetic location: 14q23.1.
Variant type: single nucleotide variant.
Coding change: c.1359A>G on transcript NM_001330177.2 (MANE Select); coding-DNA position 1359, A replaced by G.
Protein change: p.Val453=; no amino-acid change (valine 453 retained).
Molecular consequence: synonymous variant.
Genome position (GRCh38, 1-based): chr14:60,115,720, A>G. VCF-style: chr14-60115720-A-G. GRCh37 (hg19) VCF-style: chr14-60582438-A-G.
Other names: c.657A>G, p.Val219= (NM_022495.5).
Identifiers: ClinVar variation 2644265 (VCV002644265.24), dbSNP rs781034559, ClinGen allele CA7210628.
Genomic context (GRCh38, chr14:60,115,720, plus strand): 5'-ATATGGTAGAAGGAGCTATTTTGCCTTAATTAAATTTCTCTCTTTTTGTTTTGTTTTAGT[A>G]TCACCTTTTGCCATGATAGCATTTCTTTCATTGGACAGTTCCTTACAAGGGCTCCACTCA-3'
Protein context (NP_001317106.1, residues 443-463): GIVRRILLTL[Val453=]SPFAMIAFLS

ClinVar aggregate classification (germline): Likely benign (1 of 4 stars; one submission).

Allele frequency attached by ClinVar (database versions not stated): gnomAD exomes below 0.00001; gnomAD 0.00001; ExAC 0.00002.
gnomAD v4.1: 9 of 1,610,384 alleles (0.00056%); highest among the groups gnomAD compares: South Asian, 0.0011%; no homozygotes.

Submission:

CeGaT Center for Human Genetics Tuebingen
Classification: Likely benign. Last evaluated: 2022-09-01. Review status: criteria provided, single submitter. Criteria: CeGaT Center For Human Genetics Tuebingen Variant Classification Criteria Version 2. Collection method: clinical testing. Allele origin: germline. Affected: yes. Observed: 1 variant allele.
Comment: PCNX4: BP4, BP7